The following is an entry in ClinVar:

ClinVar aggregate classification (germline): Uncertain significance (1 of 4 stars; one submission).

Conditions:
Familial cancer of breast. Also called: hereditary breast carcinoma; Hereditary breast cancer; BREAST CANCER, FAMILIAL. Identifiers: Orphanet 227535, MedGen C0346153, MONDO:0016419, OMIM 114480. Disease mechanism: loss of function.

Submission:

Labcorp Genetics (formerly Invitae), Labcorp
Classification: Uncertain significance for Familial cancer of breast. Last evaluated: 2023-05-29. Review status: criteria provided, single submitter. Criteria: Invitae Variant Classification Sherloc (09022015). Collection method: clinical testing. Allele origin: germline.
Comment: This sequence change replaces phenylalanine, which is neutral and non-polar, with isoleucine, which is neutral and non-polar, at codon 292 of the CHEK2 protein (p.Phe292Ile). This variant has not been reported in the literature in individuals affected with CHEK2-related conditions. This variant is not present in population databases (gnomAD no frequency). In summary, the available evidence is currently insufficient to determine the role of this variant in disease. Therefore, it has been classified as a Variant of Uncertain Significance. An algorithm developed to predict the effect of missense changes on protein structure and function (PolyPhen-2) suggests that this variant is likely to be tolerated.

NM_007194.4(CHEK2):c.874T>A (p.Phe292Ile)

Gene: CHEK2 (checkpoint kinase 2; minus strand). Cytogenetic location: 22q12.1.
Variant type: single nucleotide variant.
Coding change: c.874T>A on transcript NM_007194.4 (MANE Select); coding-DNA position 874, T replaced by A.
Protein change: p.Phe292Ile; replaces phenylalanine 292 with isoleucine.
Molecular consequence: missense variant.
Genome position (GRCh38, 1-based): chr22:28,703,539, A>T on the plus strand (T>A on the coding strand, the complement: CHEK2 is on the minus strand). VCF-style: chr22-28703539-A-T. GRCh37 (hg19) VCF-style: chr22-29099527-A-T.
Other names: c.1003T>A, p.Phe335Ile (NM_001005735.3); c.211T>A, p.Phe71Ile (NM_001257387.3); c.673T>A, p.Phe225Ile (NM_001349956.3); c.874T>A, p.Phe292Ile (NM_145862.3); short protein forms F292I, F335I, F71I, F225I.
Identifiers: ClinVar variation 2746245 (VCV002746245.3), dbSNP rs1601752721, ClinGen allele CA411101177.